The following is an entry in ClinVar:

NM_012431.3(SEMA3E):c.2039A>T (p.Asp680Val)

Gene: SEMA3E (semaphorin 3E; minus strand). Cytogenetic location: 7q21.11.
Variant type: single nucleotide variant.
Coding change: c.2039A>T on transcript NM_012431.3 (MANE Select); coding-DNA position 2039, A replaced by T.
Protein change: p.Asp680Val; replaces aspartic acid 680 with valine.
Molecular consequence: missense variant.
Genome position (GRCh38, 1-based): chr7:83,367,875, T>A on the plus strand (A>T on the coding strand, the complement: SEMA3E is on the minus strand). VCF-style: chr7-83367875-T-A. GRCh37 (hg19) VCF-style: chr7-82997191-T-A.
Other names: c.1859A>T, p.Asp620Val (NM_001178129.2); short protein forms D620V, D680V.
Identifiers: ClinVar variation 4982255 (VCV004982255.1).
Genomic context (GRCh38, chr7:83,367,875, plus strand): 5'-CTCTGAGCAGGACAAGGCATCCTGTGATGCCTGTCCTCCTCATCGTCCTTGTTAAACATA[T>A]CCTCGACTTTCTCCTCTTCCACTACCTCCAAGGTGATTTTACGGACCGTATGGACAAAGC-3'
Protein context (NP_036563.1, residues 670-690): LEVVEEEKVE[Asp680Val]MFNKDDEEDR

ClinVar aggregate classification (germline): Uncertain significance (1 of 4 stars; one submission).

Conditions:
SEMA3E-related disorder. Also called: SEMA3E-related condition.

gnomAD v4.1: 2 of 1,611,310 alleles (0.00012%); highest among the groups gnomAD compares: African/African-American, 0.0013%; no homozygotes.

Submission:

PreventionGenetics, part of Exact Sciences
Classification: Uncertain significance for SEMA3E-related condition. Last evaluated: 2025-06-12. Review status: criteria provided, single submitter. Criteria: ACMG Guidelines, 2015. Collection method: clinical testing. Allele origin: germline.
Comment: The SEMA3E c.2039A>T variant is predicted to result in the amino acid substitution p.Asp680Val. To our knowledge, this variant has not been reported in the literature or in a large population database (gnomAD), indicating this variant is rare. At this time, the clinical significance of this variant is uncertain due to the absence of conclusive functional and genetic evidence.